The following is an entry in ClinVar:

ClinVar aggregate classification (germline): Uncertain significance (1 of 4 stars; one submission).

Conditions:
Focal segmental glomerulosclerosis 5 (FSGS5). Identifiers: Orphanet 656, MedGen C2750475, MONDO:0013191, OMIM 613237.
Charcot-Marie-Tooth disease dominant intermediate E. Also called: CHARCOT-MARIE-TOOTH NEUROPATHY WITH FOCAL SEGMENTAL GLOMERULONEPHRITIS. Identifiers: Orphanet 93114, MedGen C4302667, MONDO:0013758, OMIM 614455.

Allele frequency attached by ClinVar (database versions not stated): gnomAD exomes below 0.00001; ExAC 0.00001.
gnomAD v4.1: 2 of 1,591,484 alleles (0.00013%); highest among the groups gnomAD compares: Non-Finnish European, 0.00017%; no homozygotes.

Submission:

Labcorp Genetics (formerly Invitae), Labcorp
Classification: Uncertain significance for Charcot-Marie-Tooth disease dominant intermediate E; Focal segmental glomerulosclerosis 5. Last evaluated: 2022-02-05. Review status: criteria provided, single submitter. Criteria: Invitae Variant Classification Sherloc (09022015). Collection method: clinical testing. Allele origin: germline.
Comment: This sequence change replaces serine, which is neutral and polar, with glycine, which is neutral and non-polar, at codon 317 of the INF2 protein (p.Ser317Gly). The frequency data for this variant in the population databases is considered unreliable, as metrics indicate poor data quality at this position in the gnomAD database. This variant has not been reported in the literature in individuals affected with INF2-related conditions. ClinVar contains an entry for this variant (Variation ID: 644938). Algorithms developed to predict the effect of missense changes on protein structure and function are either unavailable or do not agree on the potential impact of this missense change (SIFT: "Tolerated"; PolyPhen-2: "Possibly Damaging"; Align-GVGD: "Class C0"). In summary, the available evidence is currently insufficient to determine the role of this variant in disease. Therefore, it has been classified as a Variant of Uncertain Significance.

NM_022489.4(INF2):c.949A>G (p.Ser317Gly)

Gene: INF2 (inverted formin 2; plus strand). Cytogenetic location: 14q32.33.
Variant type: single nucleotide variant.
Coding change: c.949A>G on transcript NM_022489.4 (MANE Select); coding-DNA position 949, A replaced by G.
Protein change: p.Ser317Gly; replaces serine 317 with glycine.
Molecular consequence: missense variant.
Genome position (GRCh38, 1-based): chr14:104,707,015, A>G. VCF-style: chr14-104707015-A-G. GRCh37 (hg19) VCF-style: chr14-105173352-A-G.
Other names: c.949A>G, p.Ser317Gly (NM_001031714.4); short protein forms S317G.
Identifiers: ClinVar variation 644938 (VCV000644938.8), dbSNP rs762702624, ClinGen allele CA7372469.
Genomic context (GRCh38, chr14:104,707,015, plus strand): 5'-GGCCTCCTGCACCTGGAGCCCACCCTCCGCTCCAGCCAGCTGCTCTGGGAGGCCCTGGAG[A>G]GCCTCGTGAACCGGGCCGTGCTCCTGGCCAGCGATGGTGAGGGGGCGGGGCAGGGGCGTA-3'
Protein context (NP_071934.3, residues 307-327): SSQLLWEALE[Ser317Gly]LVNRAVLLAS